The following is an entry in ClinVar:

ClinVar aggregate classification (germline): Uncertain significance (1 of 4 stars; one submission).

Conditions:
Hereditary cancer-predisposing syndrome. Also called: Tumor predisposition; Hereditary neoplastic syndrome; Neoplastic Syndromes, Hereditary; Hereditary Cancer Syndrome. Identifiers: Orphanet 140162, MedGen C0027672, MeSH D009386, MONDO:0015356.

Submission:

Ambry Genetics
Classification: Uncertain significance for Hereditary cancer-predisposing syndrome. Last evaluated: 2025-05-17. Review status: criteria provided, single submitter. Criteria: Ambry Variant Classification Scheme 2023. Collection method: clinical testing. Allele origin: germline.
Comment: The p.S1179T variant (also known as c.3536G>C), located in coding exon 10 of the BRCA2 gene, results from a G to C substitution at nucleotide position 3536. The serine at codon 1179 is replaced by threonine, an amino acid with similar properties. This amino acid position is conserved. In addition, this alteration is predicted to be tolerated by in silico analysis. Based on the available evidence, the clinical significance of this variant remains unclear.

NM_000059.4(BRCA2):c.3536G>C (p.Ser1179Thr)

Gene: BRCA2 (BRCA2 DNA repair associated; plus strand). Cytogenetic location: 13q13.1.
Variant type: single nucleotide variant.
Coding change: c.3536G>C on transcript NM_000059.4 (MANE Select); coding-DNA position 3536, G replaced by C.
Protein change: p.Ser1179Thr; replaces serine 1179 with threonine.
Molecular consequence: missense variant. On other transcripts: non-coding transcript variant (1), intron variant (2).
Genome position (GRCh38, 1-based): chr13:32,337,891, G>C. VCF-style: chr13-32337891-G-C. GRCh37 (hg19) VCF-style: chr13-32912028-G-C.
Other names: c.3536G>C, p.Ser1179Thr (NM_001406719.1, NM_001406720.1, NM_001432077.1); c.1909+4504G>C (NM_001406721.1); c.425-6667G>C (NM_001406722.1); short protein forms S1179T.
Identifiers: ClinVar variation 3992844 (VCV003992844.1).